The following is an entry in ClinVar:

NM_001378454.1(ALMS1):c.8959C>G (p.Leu2987Val)

Gene: ALMS1 (ALMS1 centrosome and basal body associated protein; plus strand). Cytogenetic location: 2p13.1.
Variant type: single nucleotide variant.
Coding change: c.8959C>G on transcript NM_001378454.1 (MANE Select); coding-DNA position 8959, C replaced by G.
Protein change: p.Leu2987Val; replaces leucine 2987 with valine.
Molecular consequence: missense variant.
Genome position (GRCh38, 1-based): chr2:73,490,918, C>G. VCF-style: chr2-73490918-C-G. GRCh37 (hg19) VCF-style: chr2-73718045-C-G.
Other names: c.8962C>G, p.Leu2988Val (NM_015120.4); short protein forms L2987V, L2988V.
Identifiers: ClinVar variation 1002075 (VCV001002075.10), dbSNP rs952528298, ClinGen allele CA50379756.
Genomic context (GRCh38, chr2:73,490,918, plus strand): 5'-GAACAATGCCAAAGCAAAGCGCCAGGTGTAGATGACCAAATGAATAAACACCATTTTCCC[C>G]TTCCTCAAGGTCAGGATTGTGTAGTGGAAAAGAATAATCAACATAAGCCTAAATCACACA-3'
Protein context (NP_001365383.1, residues 2977-2997): DDQMNKHHFP[Leu2987Val]PQGQDCVVEK

ClinVar aggregate classification (germline): Uncertain significance. Review status: criteria provided, single submitter (1 of 4 stars). 2 submissions from 2 submitters: Uncertain significance (1). 1 of the submissions does not count toward it. Last evaluated 2022-02-10.

Conditions:
Alstrom syndrome (ALMS). Identifiers: Orphanet 64, MedGen C0268425, MONDO:0008763, OMIM 203800.

Allele frequency attached by ClinVar (database versions not stated): gnomAD exomes below 0.00001; TOPMed 0.00001.
gnomAD v4.1: 4 of 1,614,180 alleles (0.00025%); highest among the groups gnomAD compares: African/African-American, 0.0013%; no homozygotes.

Submissions (2):

Labcorp Genetics (formerly Invitae), Labcorp
Classification: Uncertain significance for Alstrom syndrome. Last evaluated: 2022-02-10. Review status: criteria provided, single submitter. Criteria: Invitae Variant Classification Sherloc (09022015). Collection method: clinical testing. Allele origin: germline.
Comment: This sequence change replaces leucine, which is neutral and non-polar, with valine, which is neutral and non-polar, at codon 2988 of the ALMS1 protein (p.Leu2988Val). This variant is present in population databases (no rsID available, gnomAD 0.007%). This variant has not been reported in the literature in individuals affected with ALMS1-related conditions. ClinVar contains an entry for this variant (Variation ID: 1002075). Experimental studies and prediction algorithms are not available or were not evaluated, and the functional significance of this variant is currently unknown. In summary, the available evidence is currently insufficient to determine the role of this variant in disease. Therefore, it has been classified as a Variant of Uncertain Significance.

Natera, Inc.
Classification: Uncertain significance for Alstrom syndrome. Last evaluated: 2021-08-18. Review status: no assertion criteria provided. Collection method: clinical testing. Allele origin: germline. Not counted in ClinVar's aggregate classification.